The following is an entry in ClinVar:

ClinVar aggregate classification (germline): Uncertain significance (1 of 4 stars; one submission).

Allele frequency attached by ClinVar (database versions not stated): TOPMed below 0.00001; gnomAD exomes 0.00001; gnomAD 0.00002.
gnomAD v4.1: 21 of 1,613,396 alleles (0.0013%); highest among the groups gnomAD compares: African/African-American, 0.004%; no homozygotes.

Submission:

Labcorp Genetics (formerly Invitae), Labcorp
Classification: Uncertain significance. Last evaluated: 2022-05-06. Review status: criteria provided, single submitter. Criteria: Invitae Variant Classification Sherloc (09022015). Collection method: clinical testing. Allele origin: germline.
Comment: Algorithms developed to predict the effect of missense changes on protein structure and function are either unavailable or do not agree on the potential impact of this missense change (SIFT: "Not Available"; PolyPhen-2: "Probably Damaging"; Align-GVGD: "Not Available"). This variant has not been reported in the literature in individuals affected with TRAPPC9-related conditions. This variant is present in population databases (no rsID available, gnomAD 0.004%). This sequence change replaces isoleucine, which is neutral and non-polar, with threonine, which is neutral and polar, at codon 1076 of the TRAPPC9 protein (p.Ile1076Thr). In summary, the available evidence is currently insufficient to determine the role of this variant in disease. Therefore, it has been classified as a Variant of Uncertain Significance.

NM_001160372.4(TRAPPC9):c.2933T>C (p.Ile978Thr)

Gene: TRAPPC9 (trafficking protein particle complex subunit 9; minus strand). Cytogenetic location: 8q24.3.
Variant type: single nucleotide variant.
Coding change: c.2933T>C on transcript NM_001160372.4 (MANE Select); coding-DNA position 2933, T replaced by C.
Protein change: p.Ile978Thr; replaces isoleucine 978 with threonine.
Molecular consequence: missense variant. On other transcripts: non-coding transcript variant (1).
Genome position (GRCh38, 1-based): chr8:139,910,178, A>G on the plus strand (T>C on the coding strand, the complement: TRAPPC9 is on the minus strand). VCF-style: chr8-139910178-A-G. GRCh37 (hg19) VCF-style: chr8-140922422-A-G.
Other names: c.2906T>C, p.Ile969Thr (NM_001321646.2); c.2954T>C, p.Ile985Thr (NM_001374682.1); c.2822T>C, p.Ile941Thr (NM_001374683.1); c.2789T>C, p.Ile930Thr (NM_001374684.1); c.2933T>C, p.Ile978Thr (NM_031466.8); short protein forms I985T, I978T, I930T, I969T, I941T.
Identifiers: ClinVar variation 1943796 (VCV001943796.5), dbSNP rs1214721834, ClinGen allele CA372735263.